The following is an entry in ClinVar:

ClinVar aggregate classification (germline): Uncertain significance (1 of 4 stars; one submission).

Submission:

GeneDx
Classification: Uncertain significance. Last evaluated: 2022-08-05. Review status: criteria provided, single submitter. Criteria: GeneDx Variant Classification Process June 2021. Collection method: clinical testing. Allele origin: germline. Affected: yes.
Comment: Not observed at significant frequency in large population cohorts (gnomAD); In silico analysis supports that this missense variant does not alter protein structure/function; Has not been previously published as pathogenic or benign to our knowledge

NM_001368397.1(FRMPD4):c.2291A>C (p.Glu764Ala)

Gene: FRMPD4 (FERM and PDZ domain containing 4; plus strand). Cytogenetic location: Xp22.2.
Variant type: single nucleotide variant.
Coding change: c.2291A>C on transcript NM_001368397.1 (MANE Select); coding-DNA position 2291, A replaced by C.
Protein change: p.Glu764Ala; replaces glutamic acid 764 with alanine.
Molecular consequence: missense variant.
Genome position (GRCh38, 1-based): chrX:12,716,750, A>C. VCF-style: chrX-12716750-A-C. GRCh37 (hg19) VCF-style: chrX-12734869-A-C.
Other names: c.2402A>C, p.Glu801Ala (NM_001368395.3, NM_001368398.3); c.2297A>C, p.Glu766Ala (NM_001368396.3); c.2282A>C, p.Glu761Ala (NM_001368399.3); c.2171A>C, p.Glu724Ala (NM_001368400.3); c.2267A>C, p.Glu756Ala (NM_001368401.1, NM_001368402.3); c.2291A>C, p.Glu764Ala (NM_014728.3); short protein forms E724A, E756A, E761A, E764A, E766A, E801A.
Identifiers: ClinVar variation 2428845 (VCV002428845.2), dbSNP rs2519851197, ClinGen allele CA412311597.